The following is an entry in ClinVar:

NM_000019.4(ACAT1):c.444_445del (p.Met148fs)

Gene: ACAT1 (acetyl-CoA acetyltransferase 1; plus strand). Cytogenetic location: 11q22.3.
Variant type: Deletion.
Coding change: c.444_445del on transcript NM_000019.4 (MANE Select); coding-DNA positions 444 to 445, 2 bases deleted (GG; older notation c.444_445delGG).
Protein change: p.Met148fs; shifts the reading frame from methionine 148.
Molecular consequence: frameshift variant.
Genome position (GRCh38, 1-based): chr11:108,138,906-108,138,907, GG deleted. VCF-style (leftmost placement, unchanged base first): chr11-108138905-TGG-T. GRCh37 (hg19) VCF-style: chr11-108009632-TGG-T.
Other names: c.444_445del, p.Met148fs (LRG_1400t1); c.444_445del (NM_000019.3); short protein forms M148fs.
Identifiers: ClinVar variation 166649 (VCV000166649.25), dbSNP rs727503795, ClinGen allele CA233438.

ClinVar aggregate classification (germline): Pathogenic/Likely pathogenic. Review status: criteria provided, multiple submitters, no conflicts (2 of 4 stars). 7 submissions from 7 submitters: Pathogenic (3); Likely pathogenic (4). Last evaluated 2025-09-07.

Conditions:
Deficiency of acetyl-CoA acetyltransferase. Also called: Beta-ketothiolase deficiency; 3-KETOTHIOLASE DEFICIENCY; 3-OXOTHIOLASE DEFICIENCY; MITOCHONDRIAL ACETOACETYL-CoA THIOLASE DEFICIENCY. Identifiers: Orphanet 134, MedGen C1536500, MONDO:0008760, OMIM 203750. Disease mechanism: loss of function.

Allele frequency attached by ClinVar (database versions not stated): gnomAD 0.00004; TOPMed 0.00012; gnomAD exomes below 0.00001 and 0.00001; ExAC 0.00001.

Submissions (7):

Natera, Inc.
Classification: Likely pathogenic for Alpha-methylacetoacetic aciduria. Last evaluated: 2025-09-07. Review status: criteria provided, single submitter. Criteria: Natera Variant Classification Schema (03/2026). Collection method: clinical testing. Allele origin: germline.
Comment: The c.444_445delGG variant in ACAT1 is a frameshift variant predicted to shift the reading frame beginning at codon 148 and leads to a stop codon 28 codons downstream. This variant is expected to result in nonsense mediated decay, truncation, or a dysfunctional protein product. This variant is rare in the general population with a frequency below the threshold expected for the associated phenotype(s). Given the available evidence, this variant is classified as Likely Pathogenic.

Labcorp Genetics (formerly Invitae), Labcorp
Classification: Pathogenic for Deficiency of acetyl-CoA acetyltransferase. Last evaluated: 2025-08-31. Review status: criteria provided, single submitter. Criteria: Invitae Variant Classification Sherloc (09022015). Collection method: clinical testing. Allele origin: germline.
Comment: This sequence change creates a premature translational stop signal (p.Met148Ilefs*28) in the ACAT1 gene. It is expected to result in an absent or disrupted protein product. Loss-of-function variants in ACAT1 are known to be pathogenic (PMID: 7749408). This variant is present in population databases (rs727503795, gnomAD 0.006%). This premature translational stop signal has been observed in individual(s) with beta-ketothiolase deficiency (internal data). ClinVar contains an entry for this variant (Variation ID: 166649). For these reasons, this variant has been classified as Pathogenic.

Revvity Omics, Revvity
Classification: Likely pathogenic for Deficiency of acetyl-CoA acetyltransferase. Last evaluated: 2025-05-02. Review status: criteria provided, single submitter. Criteria: ACMG Guidelines, 2015. Collection method: clinical testing. Allele origin: germline.

Fulgent Genetics
Classification: Likely pathogenic for Deficiency of acetyl-CoA acetyltransferase. Last evaluated: 2024-04-17. Review status: criteria provided, single submitter. Criteria: ACMG Guidelines, 2015. Collection method: clinical testing. Allele origin: germline.

Women's Health and Genetics/Laboratory Corporation of America, LabCorp
Classification: Likely pathogenic for Deficiency of acetyl-CoA acetyltransferase. Last evaluated: 2022-12-19. Review status: criteria provided, single submitter. Criteria: LabCorp Variant Classification Summary - May 2015. Collection method: clinical testing. Allele origin: germline.
Comment: Variant summary: ACAT1 c.444_445delGG (p.Met148IlefsX28) results in a premature termination codon, predicted to cause a truncation of the encoded protein or absence of the protein due to nonsense mediated decay, which are commonly known mechanisms for disease. Truncations downstream of this position have been classified as pathogenic by our laboratory. The variant allele was found at a frequency of 8e-06 in 251452 control chromosomes. c.444_445delGG has been reported in the literature in one heterozygote individual evaluated on a pan-ethnic carrier screening assay with no additional information provided (example, Tanner_2014). This report does not provide unequivocal conclusions about the phenotypic association of the variant in an individual affected with Mitochondrial Acetoacetyl-CoA Thiolase Deficiency. Although based on loss of function as an established mechanism of disease in individuals with Mitochondrial Acetoacetyl-CoA Thiolase Deficiency, this variant is likely to be associated with disease. To our knowledge, no experimental evidence demonstrating an impact on protein function has been reported. Two clinical diagnostic laboratories have submitted clinical-significance assessments for this variant to ClinVar after 2014 without evidence for independent evaluation. All laboratories classified the variant as pathogenic (n=2). Based on the evidence outlined above, the variant was classified as likely pathogenic.

GeneDx
Classification: Pathogenic. Last evaluated: 2022-08-25. Review status: criteria provided, single submitter. Criteria: GeneDx Variant Classification Process June 2021. Collection method: clinical testing. Allele origin: germline. Affected: yes.
Comment: Frameshift variant predicted to result in protein truncation or nonsense mediated decay in a gene for which loss of function is a known mechanism of disease; Not observed at significant frequency in large population cohorts (gnomAD); Has not been previously reported as pathogenic or benign in an affected individual to our knowledge; This variant is associated with the following publications: (PMID: 24517888)

Eurofins Ntd Llc (ga)
Classification: Pathogenic. Last evaluated: 2013-12-16. Review status: criteria provided, single submitter. Criteria: EGL Classification Definitions. Collection method: clinical testing. Allele origin: germline. Observed: 2 variant alleles, 2 heterozygotes.

Literature cited by the submitters: PubMed 7749408 (cited by Labcorp Genetics (formerly Invitae), Labcorp); PubMed 24517888 (cited by Women's Health and Genetics/Laboratory Corporation of America, LabCorp).